The following is an entry in ClinVar:

NM_002225.5(IVD):c.796C>G (p.Leu266Val)

Gene: IVD (isovaleryl-CoA dehydrogenase; plus strand). Cytogenetic location: 15q15.1.
Variant type: single nucleotide variant.
Coding change: c.796C>G on transcript NM_002225.5 (MANE Select); coding-DNA position 796, C replaced by G.
Protein change: p.Leu266Val; replaces leucine 266 with valine.
Molecular consequence: missense variant. On other transcripts: non-coding transcript variant (1).
Genome position (GRCh38, 1-based): chr15:40,414,900, C>G. VCF-style: chr15-40414900-C-G. GRCh37 (hg19) VCF-style: chr15-40707099-C-G.
Other names: c.706C>G, p.Leu236Val (NM_001159508.3); c.748C>G, p.Leu250Val (NM_001354597.3); c.796C>G, p.Leu266Val (NM_001354598.3, NM_001354601.3); c.883C>G, p.Leu295Val (NM_001354599.3, NM_001354600.3); short protein forms L236V, L250V, L266V, L295V.
Identifiers: ClinVar variation 661781 (VCV000661781.10), dbSNP rs766980574, ClinGen allele CA7480750.

ClinVar aggregate classification (germline): Uncertain significance. Review status: criteria provided, multiple submitters, no conflicts (2 of 4 stars). 4 submissions from 4 submitters: Uncertain significance (3). 1 of the submissions does not count toward it. Last evaluated 2025-09-11.

Conditions:
Inborn genetic diseases. Identifiers: MedGen C0950123, MeSH D030342.
Isovaleryl-CoA dehydrogenase deficiency (IVA). Also called: Isovaleric acidemia; IVD DEFICIENCY; ISOVALERIC ACID CoA DEHYDROGENASE DEFICIENCY; Classic Isovaleric Acidemia. Identifiers: Orphanet 33, MedGen C0268575, MONDO:0009475, OMIM 243500.

Allele frequency attached by ClinVar (database versions not stated): gnomAD 0.00001 and 0.00002; gnomAD exomes 0.00001; TOPMed 0.00001; ExAC 0.00002.
gnomAD v4.1: 84 of 1,614,054 alleles (0.0052%); highest among the groups gnomAD compares: East Asian, 0.18%; no homozygotes.

Submissions (4):

Ambry Genetics
Classification: Uncertain significance for Inborn genetic diseases. Last evaluated: 2025-09-11. Review status: criteria provided, single submitter. Criteria: Ambry Variant Classification Scheme 2023. Collection method: clinical testing. Allele origin: germline.

Labcorp Genetics (formerly Invitae), Labcorp
Classification: Uncertain significance for Isovaleryl-CoA dehydrogenase deficiency. Last evaluated: 2021-08-26. Review status: criteria provided, single submitter. Criteria: Invitae Variant Classification Sherloc (09022015). Collection method: clinical testing. Allele origin: germline.
Comment: This sequence change replaces leucine with valine at codon 269 of the IVD protein (p.Leu269Val). The leucine residue is highly conserved and there is a small physicochemical difference between leucine and valine. This variant is present in population databases (rs766980574, ExAC 0.02%). This variant has not been reported in the literature in individuals affected with IVD-related conditions. Algorithms developed to predict the effect of missense changes on protein structure and function are either unavailable or do not agree on the potential impact of this missense change (SIFT: "Deleterious"; PolyPhen-2: "Benign"; Align-GVGD: "Class C0"). In summary, the available evidence is currently insufficient to determine the role of this variant in disease. Therefore, it has been classified as a Variant of Uncertain Significance.

Illumina Laboratory Services, Illumina
Classification: Uncertain significance for Isovaleryl-CoA dehydrogenase deficiency. Last evaluated: 2018-01-13. Review status: criteria provided, single submitter. Criteria: ICSL Variant Classification Criteria 13 December 2019. Collection method: clinical testing. Allele origin: germline.

Natera, Inc.
Classification: Uncertain significance for Isovaleryl-coa dehydrogenase deficiency. Last evaluated: 2020-09-16. Review status: no assertion criteria provided. Collection method: clinical testing. Allele origin: germline. Not counted in ClinVar's aggregate classification.